The following is an entry in ClinVar:

ClinVar aggregate classification (germline): Benign/Likely benign. Review status: criteria provided, multiple submitters, no conflicts (2 of 4 stars). 4 submissions from 4 submitters: Benign (1); Likely benign (2). 1 of the submissions does not count toward it. Last evaluated 2026-01-17.

Conditions:
LAMB3-related disorder. Also called: LAMB3-related condition.
Junctional epidermolysis bullosa. Identifiers: Orphanet 305, MedGen C0079301, MONDO:0017612.

Allele frequency attached by ClinVar (database versions not stated): gnomAD exomes 0.00025 and 0.00032; ExAC 0.00042; ESP Exome Variant Server 0.00085; gnomAD 0.00095 and 0.00096; TOPMed 0.00104; 1000 Genomes Project 30x 0.00203; 1000 Genomes Project 0.00220.
gnomAD v4.1: 522 of 1,614,018 alleles (0.032%); highest among the groups gnomAD compares: African/African-American, 0.31%; no homozygotes.

Submissions (4):

Labcorp Genetics (formerly Invitae), Labcorp
Classification: Benign. Last evaluated: 2026-01-17. Review status: criteria provided, single submitter. Criteria: Invitae Variant Classification Sherloc (09022015). Collection method: clinical testing. Allele origin: germline.

Illumina Laboratory Services, Illumina
Classification: Likely benign for Junctional epidermolysis bullosa. Last evaluated: 2018-01-12. Review status: criteria provided, single submitter. Criteria: ICSL Variant Classification Criteria 13 December 2019. Collection method: clinical testing. Allele origin: germline.
Comment: This variant was observed in the ICSL laboratory as part of a predisposition screen in an ostensibly healthy population. It had not been previously curated by ICSL or reported in the Human Gene Mutation Database (HGMD: prior to June 1st, 2018), and was therefore a candidate for classification through an automated scoring system. Utilizing variant allele frequency, disease prevalence and penetrance estimates, and inheritance mode, an automated score was calculated to assess if this variant is too frequent to cause the disease. Based on the score and internal cut-off values, a variant classified as likely benign is not then subjected to further curation. The score for this variant resulted in a classification of likely benign for this disease.

Breakthrough Genomics
Classification: Likely benign. Review status: criteria provided, single submitter. Criteria: ACMG Guidelines, 2015. Collection method: not provided. Allele origin: germline. Inheritance: Autosomal recessive inheritance. Affected: yes.

PreventionGenetics, part of Exact Sciences
Classification: Likely benign for LAMB3-related condition. Last evaluated: 2019-06-26. Review status: no assertion criteria provided. Collection method: clinical testing. Allele origin: germline. Not counted in ClinVar's aggregate classification.
Comment: This variant is classified as likely benign based on ACMG/AMP sequence variant interpretation guidelines (Richards et al. 2015 PMID: 25741868, with internal and published modifications).

NM_000228.3(LAMB3):c.1413G>A (p.Lys471=)

Gene: LAMB3 (laminin subunit beta 3; minus strand). Cytogenetic location: 1q32.2.
Variant type: single nucleotide variant.
Coding change: c.1413G>A on transcript NM_000228.3 (MANE Select); coding-DNA position 1413, G replaced by A.
Protein change: p.Lys471=; no amino-acid change (lysine 471 retained).
Molecular consequence: synonymous variant.
Genome position (GRCh38, 1-based): chr1:209,627,455, C>T on the plus strand (G>A on the coding strand, the complement: LAMB3 is on the minus strand). VCF-style: chr1-209627455-C-T. GRCh37 (hg19) VCF-style: chr1-209800800-C-T.
Other names: c.1413G>A, p.Lys471= (NM_001017402.2, NM_001127641.1).
Identifiers: ClinVar variation 295109 (VCV000295109.18), dbSNP rs112316651, ClinGen allele CA1375606.
Genomic context (GRCh38, chr1:209,627,455, plus strand): 5'-TGGGCTGAGGGAGTTGTGCGGGTCGCAGGCACACGGTTCACAGCCCTGGCCACTGGCCAG[C>T]TTCCAGTGGTAGGGAGCACACTGGTCACATTTGGGACCCACCACGTTGGGCAGACAAAGG-3'
Protein context (NP_000219.2, residues 461-481): KCDQCAPYHW[Lys471=]LASGQGCEPC